The following is an entry in ClinVar:

NM_022369.4(STRA6):c.1671C>G (p.Ala557=)

Gene: STRA6 (signaling receptor and transporter of retinol STRA6; minus strand). Cytogenetic location: 15q24.1.
Variant type: single nucleotide variant.
Coding change: c.1671C>G on transcript NM_022369.4 (MANE Select); coding-DNA position 1671, C replaced by G.
Protein change: p.Ala557=; no amino-acid change (alanine 557 retained).
Molecular consequence: synonymous variant.
Genome position (GRCh38, 1-based): chr15:74,181,308, G>C on the plus strand (C>G on the coding strand, the complement: STRA6 is on the minus strand). VCF-style: chr15-74181308-G-C. GRCh37 (hg19) VCF-style: chr15-74473649-G-C.
Other names: c.1671C>G, p.Ala557= (NM_001142617.2, NM_001142618.2, NM_001437994.1); c.1644C>G, p.Ala548= (NM_001142619.2); c.1782C>G, p.Ala594= (NM_001199040.2); c.1716C>G, p.Ala572= (NM_001199041.2); c.1788C>G, p.Ala596= (NM_001199042.2).
Identifiers: ClinVar variation 4823013 (VCV004823013.4).

ClinVar aggregate classification (germline): Likely benign (1 of 4 stars; one submission).

Submission:

CeGaT Center for Human Genetics Tuebingen
Classification: Likely benign. Last evaluated: 2026-01-01. Review status: criteria provided, single submitter. Criteria: CeGaT Center For Human Genetics Tuebingen Variant Classification Criteria Version 2. Collection method: clinical testing. Allele origin: germline. Affected: yes. Observed: 1 variant allele.
Comment: STRA6: PM2:Supporting, BP4, BP7